The following is an entry in ClinVar:

NM_001370259.2(MEN1):c.326A>G (p.Glu109Gly)

Gene: MEN1 (menin 1; minus strand). Cytogenetic location: 11q13.1.
Variant type: single nucleotide variant.
Coding change: c.326A>G on transcript NM_001370259.2 (MANE Select); coding-DNA position 326, A replaced by G.
Protein change: p.Glu109Gly; replaces glutamic acid 109 with glycine.
Molecular consequence: missense variant.
Genome position (GRCh38, 1-based): chr11:64,809,784, T>C on the plus strand (A>G on the coding strand, the complement: MEN1 is on the minus strand). VCF-style: chr11-64809784-T-C. GRCh37 (hg19) VCF-style: chr11-64577256-T-C.
Other names: c.326A>G, p.Glu109Gly (NM_000244.4, NM_001370251.2, NM_001370260.2 and 9 more transcripts); short protein forms E109G.
Identifiers: ClinVar variation 485729 (VCV000485729.17), dbSNP rs1555166447, ClinGen allele CA381187402.

ClinVar aggregate classification (germline): Uncertain significance. Review status: criteria provided, multiple submitters, no conflicts (2 of 4 stars). 3 submissions from 3 submitters: Uncertain significance (3). Last evaluated 2025-09-05.

Conditions:
Hereditary cancer-predisposing syndrome. Also called: Tumor predisposition; Hereditary Cancer Syndrome; Neoplastic Syndromes, Hereditary; Hereditary neoplastic syndrome. Identifiers: Orphanet 140162, MedGen C0027672, MeSH D009386, MONDO:0015356.
Multiple endocrine neoplasia, type 1 (MEN1). Also called: MEN I; WERMER SYNDROME; Endocrine adenomatosis multiple; MEN 1; MEA I. Identifiers: Orphanet 652, MedGen C0025267, MeSH D018761, MONDO:0007540, OMIM 131100.

Submissions (3):

Ambry Genetics
Classification: Uncertain significance for Hereditary cancer-predisposing syndrome. Last evaluated: 2025-09-05. Review status: criteria provided, single submitter. Criteria: Ambry Variant Classification Scheme 2023. Collection method: clinical testing. Allele origin: germline.
Comment: The p.E109G variant (also known as c.326A>G), located in coding exon 1 of the MEN1 gene, results from an A to G substitution at nucleotide position 326. The glutamic acid at codon 109 is replaced by glycine, an amino acid with similar properties. This amino acid position is not well conserved in available vertebrate species. In addition, the in silico prediction for this alteration is inconclusive. Based on the available evidence, the clinical significance of this variant remains unclear.

Labcorp Genetics (formerly Invitae), Labcorp
Classification: Uncertain significance for Multiple endocrine neoplasia, type 1. Last evaluated: 2024-03-06. Review status: criteria provided, single submitter. Criteria: Invitae Variant Classification Sherloc (09022015). Collection method: clinical testing. Allele origin: germline.
Comment: This sequence change replaces glutamic acid, which is acidic and polar, with glycine, which is neutral and non-polar, at codon 109 of the MEN1 protein (p.Glu109Gly). This variant is not present in population databases (gnomAD no frequency). This variant has not been reported in the literature in individuals affected with MEN1-related conditions. ClinVar contains an entry for this variant (Variation ID: 485729). Advanced modeling of protein sequence and biophysical properties (such as structural, functional, and spatial information, amino acid conservation, physicochemical variation, residue mobility, and thermodynamic stability) performed at Invitae indicates that this missense variant is expected to disrupt MEN1 protein function with a positive predictive value of 80%. In summary, the available evidence is currently insufficient to determine the role of this variant in disease. Therefore, it has been classified as a Variant of Uncertain Significance.

Blueprint Genetics
Classification: Uncertain significance. Last evaluated: 2023-03-16. Review status: criteria provided, single submitter. Criteria: ACMG Guidelines, 2015. Collection method: clinical testing. Allele origin: germline.